The following is an entry in ClinVar:

ClinVar aggregate classification (germline): Uncertain significance (1 of 4 stars; one submission).

Allele frequency attached by ClinVar (database versions not stated): gnomAD 0.00001; gnomAD exomes 0.00001.
gnomAD v4.1: 11 of 1,613,060 alleles (0.00068%); highest among the groups gnomAD compares: Non-Finnish European, 0.00093%; no homozygotes.

Submission:

Labcorp Genetics (formerly Invitae), Labcorp
Classification: Uncertain significance. Last evaluated: 2020-11-30. Review status: criteria provided, single submitter. Criteria: Invitae Variant Classification Sherloc (09022015). Collection method: clinical testing. Allele origin: germline.
Comment: This variant is not present in population databases (ExAC no frequency). This sequence change replaces leucine with valine at codon 338 of the IHH protein (p.Leu338Val). The leucine residue is moderately conserved and there is a small physicochemical difference between leucine and valine. This variant has not been reported in the literature in individuals with IHH-related conditions. Algorithms developed to predict the effect of missense changes on protein structure and function (SIFT, PolyPhen-2, Align-GVGD) all suggest that this variant is likely to be tolerated, but these predictions have not been confirmed by published functional studies and their clinical significance is uncertain. In summary, the available evidence is currently insufficient to determine the role of this variant in disease. Therefore, it has been classified as a Variant of Uncertain Significance.

NM_002181.4(IHH):c.1012C>G (p.Leu338Val)

Gene: IHH (Indian hedgehog signaling molecule; minus strand). Cytogenetic location: 2q35.
Variant type: single nucleotide variant.
Coding change: c.1012C>G on transcript NM_002181.4 (MANE Select); coding-DNA position 1012, C replaced by G.
Protein change: p.Leu338Val; replaces leucine 338 with valine.
Molecular consequence: missense variant.
Genome position (GRCh38, 1-based): chr2:219,055,431, G>C on the plus strand (C>G on the coding strand, the complement: IHH is on the minus strand). VCF-style: chr2-219055431-G-C. GRCh37 (hg19) VCF-style: chr2-219920153-G-C.
Other names: short protein forms L338V.
Identifiers: ClinVar variation 1014177 (VCV001014177.8), dbSNP rs1948821233, ClinGen allele CA350630402.
Genomic context (GRCh38, chr2:219,055,431, plus strand): 5'-GAGCCAGGTGGTGGTCAGCCACGGCCGCGAAGCAGGATGCCACCACATCCTCCACCACCA[G>C]TGTCCCATGCTTTGTGAGCGGGGCGTAGGCCCCGAGGGCCACGTGTGTAGAGACAGCTGC-3'
Protein context (NP_002172.2, residues 328-348): AYAPLTKHGT[Leu338Val]VVEDVVASCF